The following is an entry in ClinVar:

NM_024685.4(BBS10):c.1669del (p.Ile557fs)

Gene: BBS10 (Bardet-Biedl syndrome 10; minus strand). Cytogenetic location: 12q21.2.
Variant type: Deletion.
Coding change: c.1669del on transcript NM_024685.4 (MANE Select); coding-DNA position 1669, one base deleted (A; older notation c.1669delA).
Protein change: p.Ile557fs; shifts the reading frame from isoleucine 557.
Molecular consequence: frameshift variant.
Genome position (GRCh38, 1-based): chr12:76,346,316, T deleted on the plus strand (A on the coding strand, the reverse complement: BBS10 is on the minus strand); the first of 3 consecutive T bases (chr12:76,346,316-76,346,318); deleting any one gives the same sequence. VCF-style (leftmost placement, unchanged base first): chr12-76346315-AT-A. GRCh37 (hg19) VCF-style: chr12-76740095-AT-A.
Other names: short protein forms I557fs.
Identifiers: ClinVar variation 3575279 (VCV003575279.2).
Genomic context (GRCh38, chr12:76,346,315, plus strand): 5'-CTCACTGGTAACATGCTTCCCTTTCTAGTAATATTTGTGACCTGTAAATTTTCGTAAGAA[AT>A]TTCTATTCTATTTCCCCTTGTTGAATAAGCAGTGGAATTGTTCTTGAGTAATGGTTCATA-3'

ClinVar aggregate classification (germline): Likely pathogenic. Review status: criteria provided, multiple submitters, no conflicts (2 of 4 stars). 2 submissions from 2 submitters: Likely pathogenic (2). Last evaluated 2024-07-17.

Conditions:
Bardet-Biedl syndrome 10 (BBS10). Identifiers: Orphanet 110, MedGen C1859568, MONDO:0014438, OMIM 615987.

Submissions (2):

3billion
Classification: Likely pathogenic for Bardet-Biedl syndrome 10. Last evaluated: 2024-07-17. Review status: criteria provided, single submitter. Criteria: ACMG Guidelines, 2015. Collection method: clinical testing. Allele origin: germline. Affected: yes.
Comment: The variant is not observed in the gnomAD v4.0.0 dataset. Predicted Consequence/Location: Frameshift: predicted to result in a loss or disruption of normal protein function through protein truncation. The predicted truncated protein may be shortened by more than 10%. Therefore, this variant is classified as Likely pathogenic according to the recommendation of ACMG/AMP guideline.

Fulgent Genetics
Classification: Likely pathogenic for Bardet-Biedl syndrome 10. Last evaluated: 2024-02-08. Review status: criteria provided, single submitter. Criteria: ACMG Guidelines, 2015. Collection method: clinical testing. Allele origin: germline.